The following is an entry in ClinVar:

ClinVar aggregate classification (germline): Pathogenic. Review status: criteria provided, multiple submitters, no conflicts (2 of 4 stars). 2 submissions from 2 submitters: Pathogenic (2). Last evaluated 2025-06-12.

Conditions:
Pyruvate dehydrogenase E2 deficiency (PDHDD). Also called: LACTIC ACIDEMIA DUE TO DEFECT OF E2 LIPOYL TRANSACETYLASE OF THE PYRUVATE DEHYDROGENASE COMPLEX; Dihydrolipoamide Acetyltransferase (E2) Deficiency. Identifiers: Orphanet 765, Orphanet 79244, MedGen C1855565, MONDO:0009502, OMIM 245348.

Allele frequency attached by ClinVar (database versions not stated): ExAC 0.00001; gnomAD exomes below 0.00001; TOPMed 0.00001; gnomAD 0.00001.
gnomAD v4.1: 7 of 1,603,836 alleles (0.00044%); highest among the groups gnomAD compares: Admixed American, 0.0017%; no homozygotes.

Submissions (3):

Labcorp Genetics (formerly Invitae), Labcorp
Classification: Pathogenic for Pyruvate dehydrogenase E2 deficiency. Last evaluated: 2025-06-12. Review status: criteria provided, single submitter. Criteria: Invitae Variant Classification Sherloc (09022015). Collection method: clinical testing. Allele origin: germline.
Comment: This sequence change creates a premature translational stop signal (p.Arg435*) in the DLAT gene. It is expected to result in an absent or disrupted protein product. Loss-of-function variants in DLAT are known to be pathogenic (PMID: 20022530, 23021068). This variant is present in population databases (rs782185799, gnomAD 0.003%). This premature translational stop signal has been observed in individual(s) with Leigh syndrome (PMID: 35094435). ClinVar contains an entry for this variant (Variation ID: 2793499). For these reasons, this variant has been classified as Pathogenic.

Women's Health and Genetics/Laboratory Corporation of America, LabCorp
Classification: Pathogenic for Pyruvate dehydrogenase E2 deficiency. Last evaluated: 2024-10-18. Review status: criteria provided, single submitter. Criteria: LabCorp Variant Classification Summary - May 2015. Collection method: clinical testing. Allele origin: germline.
Comment: Variant summary: DLAT c.1303C>T (p.Arg435X) results in a premature termination codon, predicted to cause a truncation of the encoded protein or absence of the protein due to nonsense mediated decay, which are commonly known mechanisms for disease. The variant allele was found at a frequency of 4e-06 in 251040 control chromosomes. c.1303C>T has been reported in the literature in at least one compound heterozygous individual affected with Leigh syndrome (e.g. Stenton_2022). To our knowledge, no experimental evidence demonstrating an impact on protein function has been reported. ClinVar contains an entry for this variant (Variation ID: 2793499). Based on the evidence outlined above, the variant was classified as pathogenic.

Dr. Peter K. Rogan Lab, Western University
No classification provided (evidence only). Condition: Pancreatic adenocarcinoma. Review status: no classification provided. Collection method: in vitro. Allele origin: not applicable. Functional consequence: retained intron. Not counted in ClinVar's aggregate classification.

Literature cited by the submitters: PubMed 20022530 (cited by Labcorp Genetics (formerly Invitae), Labcorp); PubMed 23021068 (cited by Labcorp Genetics (formerly Invitae), Labcorp); PubMed 35094435 (cited by Labcorp Genetics (formerly Invitae), Labcorp and Women's Health and Genetics/Laboratory Corporation of America, LabCorp).

NM_001931.5(DLAT):c.1303C>T (p.Arg435Ter)

Gene: DLAT (dihydrolipoamide S-acetyltransferase; plus strand). Cytogenetic location: 11q23.1.
Variant type: single nucleotide variant.
Coding change: c.1303C>T on transcript NM_001931.5 (MANE Select); coding-DNA position 1303, C replaced by T.
Protein change: p.Arg435Ter; replaces arginine 435 with a stop codon.
Molecular consequence: nonsense. On other transcripts: non-coding transcript variant (1), intron variant (2).
Genome position (GRCh38, 1-based): chr11:112,045,875, C>T. VCF-style: chr11-112045875-C-T. GRCh37 (hg19) VCF-style: chr11-111916599-C-T.
Other names: c.1303C>T, p.Arg435Ter (NM_001372031.1, NM_001372033.1); c.1297C>T, p.Arg433Ter (NM_001372032.1); c.1270C>T, p.Arg424Ter (NM_001372034.1); c.1177C>T, p.Arg393Ter (NM_001372036.1); c.1135C>T, p.Arg379Ter (NM_001372037.1); c.1024C>T, p.Arg342Ter (NM_001372038.1); c.988C>T, p.Arg330Ter (NM_001372039.1); c.922C>T, p.Arg308Ter (NM_001372040.1); and 3 more; short protein forms R281*, R433*, R308*, R330*, R342*, R424*, R379*, R393*.
Identifiers: ClinVar variation 2793499 (VCV002793499.5), dbSNP rs782185799, ClinGen allele CA6276892.
Genomic context (GRCh38, chr11:112,045,875, plus strand): 5'-AAGGTCTTAACTCAAGATAATTGATTTTTTAAATCTCTTTGGTTTCAGGTTATTGCACAG[C>T]GATTAATGCAATCAAAGCAAACCATACCTCATTATTACCTTTCTATCGATGTAAATATGG-3'